The following is an entry in ClinVar:

NM_017617.5(NOTCH1):c.2205C>T (p.Asn735=)

Gene: NOTCH1 (notch receptor 1; minus strand). Cytogenetic location: 9q34.3.
Variant type: single nucleotide variant.
Coding change: c.2205C>T on transcript NM_017617.5 (MANE Select); coding-DNA position 2205, C replaced by T.
Protein change: p.Asn735=; no amino-acid change (asparagine 735 retained).
Molecular consequence: synonymous variant.
Genome position (GRCh38, 1-based): chr9:136,514,512, G>A on the plus strand (C>T on the coding strand, the complement: NOTCH1 is on the minus strand). VCF-style: chr9-136514512-G-A. GRCh37 (hg19) VCF-style: chr9-139408964-G-A.
Other names: p.Asn735=; c.2205C>T, p.Asn735= (LRG_1122t1); c.2205C>T (NM_017617.4).
Identifiers: ClinVar variation 241122 (VCV000241122.23), dbSNP rs2229970, ClinGen allele CA5341459.

ClinVar aggregate classification (germline): Benign. Review status: criteria provided, multiple submitters, no conflicts (2 of 4 stars). 11 submissions from 10 submitters: Benign (11). Last evaluated 2026-09-01.

Conditions:
Adams-Oliver syndrome 5 (AOS5). Identifiers: Orphanet 974, MedGen C4014970, MONDO:0014459, OMIM 616028.
Aortic valve disease 1 (AOVD1). Identifiers: MedGen C3887892, MONDO:0024523, OMIM 109730.
Familial thoracic aortic aneurysm and aortic dissection (TAAD). Also called: Thoracic aortic aneurysms and dissections. Identifiers: Orphanet 91387, MedGen C4707243, MONDO:0019625.

Allele frequency attached by ClinVar (database versions not stated): gnomAD 0.01636 and 0.01759; ESP Exome Variant Server 0.01690; 1000 Genomes Project 0.01757; TOPMed 0.01792; 1000 Genomes Project 30x 0.01843.
gnomAD v4.1: 4,937 of 1,577,522 alleles (0.31%); highest among the groups gnomAD compares: African/African-American, 5.8%; 119 homozygotes.

Submissions (21):

CeGaT Center for Human Genetics Tuebingen
Classification: Benign. Last evaluated: 2026-09-01. Review status: criteria provided, single submitter. Criteria: CeGaT Center For Human Genetics Tuebingen Variant Classification Criteria Version 2. Collection method: clinical testing. Allele origin: germline. Affected: yes. Observed: 1 variant allele.
Comment: NOTCH1: BP4, BP7, BS1, BS2

Labcorp Genetics (formerly Invitae), Labcorp
Classification: Benign for Adams-Oliver syndrome 5. Last evaluated: 2026-02-04. Review status: criteria provided, single submitter. Criteria: Invitae Variant Classification Sherloc (09022015). Collection method: clinical testing. Allele origin: germline.

ARUP Laboratories, Molecular Genetics and Genomics, ARUP Laboratories
Classification: Benign. Last evaluated: 2025-01-27. Review status: criteria provided, single submitter. Criteria: ARUP Molecular Germline Variant Investigation Process 2024. Collection method: clinical testing. Allele origin: germline.

Women's Health and Genetics/Laboratory Corporation of America, LabCorp
Classification: Benign. Last evaluated: 2023-05-28. Review status: criteria provided, single submitter. Criteria: LabCorp Variant Classification Summary - May 2015. Collection method: clinical testing. Allele origin: germline.

Fulgent Genetics
Classification: Benign for Aortic valve disease 1; Adams-Oliver syndrome 5. Last evaluated: 2022-04-05. Review status: criteria provided, single submitter. Criteria: ACMG Guidelines, 2015. Collection method: clinical testing. Allele origin: unknown.

Genome-Nilou Lab
Classification: Benign for Adams-Oliver syndrome 5. Last evaluated: 2022-03-15. Review status: criteria provided, single submitter. Criteria: ACMG Guidelines, 2015. Collection method: clinical testing. Allele origin: germline. Affected: no.

Genome-Nilou Lab
Classification: Benign for Aortic valve disease 1. Last evaluated: 2022-03-15. Review status: criteria provided, single submitter. Criteria: ACMG Guidelines, 2015. Collection method: clinical testing. Allele origin: germline. Affected: no.

Mayo Clinic Laboratories, Mayo Clinic
Classification: Benign. Last evaluated: 2018-07-05. Review status: criteria provided, single submitter. Criteria: ACMG Guidelines, 2015. Collection method: clinical testing. Allele origin: germline. Observed: 10 variant alleles.

GeneDx
Classification: Benign. Last evaluated: 2016-09-28. Review status: criteria provided, single submitter. Criteria: GeneDx Variant Classification (06012015). Collection method: clinical testing. Allele origin: germline. Affected: yes.
Comment: This variant is considered likely benign or benign based on one or more of the following criteria: it is a conservative change, it occurs at a poorly conserved position in the protein, it is predicted to be benign by multiple in silico algorithms, and/or has population frequency not consistent with disease.

Ambry Genetics
Classification: Benign for Familial thoracic aortic aneurysm and aortic dissection. Last evaluated: 2015-05-21. Review status: criteria provided, single submitter. Criteria: Ambry Variant Classification Scheme 2023. Collection method: clinical testing. Allele origin: germline.

Breakthrough Genomics
Classification: Benign. Review status: criteria provided, single submitter. Criteria: ACMG Guidelines, 2015. Collection method: not provided. Allele origin: germline. Inheritance: Autosomal dominant inheritance. Affected: yes.

Dr. Peter K. Rogan Lab, Western University
No classification provided (evidence only). Condition: Melanoma. Review status: no classification provided. Collection method: in vitro. Allele origin: not applicable. Functional consequence: retained intron. Not counted in ClinVar's aggregate classification.

Dr. Peter K. Rogan Lab, Western University
No classification provided (evidence only). Condition: Acute myeloid leukemia. Review status: no classification provided. Collection method: in vitro. Allele origin: not applicable. Functional consequence: retained intron. Not counted in ClinVar's aggregate classification.

Dr. Peter K. Rogan Lab, Western University
No classification provided (evidence only). Condition: Thyroid cancer, nonmedullary, 1. Review status: no classification provided. Collection method: in vitro. Allele origin: not applicable. Functional consequence: retained intron. Not counted in ClinVar's aggregate classification.

Dr. Peter K. Rogan Lab, Western University
No classification provided (evidence only). Condition: Uterine corpus endometrial carcinoma. Review status: no classification provided. Collection method: in vitro. Allele origin: not applicable. Functional consequence: retained intron. Not counted in ClinVar's aggregate classification.

Dr. Peter K. Rogan Lab, Western University
No classification provided (evidence only). Condition: Cervical cancer. Review status: no classification provided. Collection method: in vitro. Allele origin: not applicable. Functional consequence: retained intron. Not counted in ClinVar's aggregate classification.

Dr. Peter K. Rogan Lab, Western University
No classification provided (evidence only). Condition: Cervical cancer. Review status: no classification provided. Collection method: in vitro. Allele origin: not applicable. Functional consequence: retained intron. Not counted in ClinVar's aggregate classification.

Dr. Peter K. Rogan Lab, Western University
No classification provided (evidence only). Condition: Sarcoma. Review status: no classification provided. Collection method: in vitro. Allele origin: not applicable. Functional consequence: retained intron. Not counted in ClinVar's aggregate classification.

Dr. Peter K. Rogan Lab, Western University
No classification provided (evidence only). Condition: Sarcoma. Review status: no classification provided. Collection method: in vitro. Allele origin: not applicable. Functional consequence: retained intron. Not counted in ClinVar's aggregate classification.

Dr. Peter K. Rogan Lab, Western University
No classification provided (evidence only). Condition: Ovarian serous cystadenocarcinoma. Review status: no classification provided. Collection method: in vitro. Allele origin: not applicable. Functional consequence: retained intron. Not counted in ClinVar's aggregate classification.

Dr. Peter K. Rogan Lab, Western University
No classification provided (evidence only). Condition: Gastric cancer. Review status: no classification provided. Collection method: in vitro. Allele origin: not applicable. Functional consequence: retained intron. Not counted in ClinVar's aggregate classification.

Literature cited by the submitters: PubMed 24943832 (cited by Women's Health and Genetics/Laboratory Corporation of America, LabCorp); PubMed 16614245 (cited by Women's Health and Genetics/Laboratory Corporation of America, LabCorp); PubMed 21670202 (cited by Women's Health and Genetics/Laboratory Corporation of America, LabCorp); PubMed 22210878 (cited by Women's Health and Genetics/Laboratory Corporation of America, LabCorp); PubMed 19635999 (cited by Women's Health and Genetics/Laboratory Corporation of America, LabCorp); PubMed 26837699 (cited by Women's Health and Genetics/Laboratory Corporation of America, LabCorp); PubMed 23086750 (cited by Women's Health and Genetics/Laboratory Corporation of America, LabCorp); PubMed 19245433 (cited by Women's Health and Genetics/Laboratory Corporation of America, LabCorp); PubMed 22077063 (cited by Women's Health and Genetics/Laboratory Corporation of America, LabCorp); PubMed 15472075 (cited by Women's Health and Genetics/Laboratory Corporation of America, LabCorp); PubMed 23734977 (cited by Women's Health and Genetics/Laboratory Corporation of America, LabCorp); PubMed 22858860 (cited by Women's Health and Genetics/Laboratory Corporation of America, LabCorp).